The following is an entry in ClinVar:

NM_003105.6(SORL1):c.3919G>A (p.Asp1307Asn)

Gene: SORL1 (sortilin related receptor 1; plus strand). Cytogenetic location: 11q24.1.
Variant type: single nucleotide variant.
Coding change: c.3919G>A on transcript NM_003105.6 (MANE Select); coding-DNA position 3919, G replaced by A.
Protein change: p.Asp1307Asn; replaces aspartic acid 1307 with asparagine.
Molecular consequence: missense variant.
Genome position (GRCh38, 1-based): chr11:121,588,124, G>A. VCF-style: chr11-121588124-G-A. GRCh37 (hg19) VCF-style: chr11-121458833-G-A.
Other names: short protein forms D1307N.
Identifiers: ClinVar variation 1317133 (VCV001317133.5), dbSNP rs2134896428, ClinGen allele CA383029223.
Genomic context (GRCh38, chr11:121,588,124, plus strand): 5'-CAGCAGTGCCTGTTCCACTCCATGGTCTGTGACGGAATCATCCAGTGCCGCGACGGGTCC[G>A]ATGAGGATGCGGCGTTTGCAGGATGCTGTGAGTTGGGGCAGGCAGGGGAGGTGACTCACG-3'
Protein context (NP_003096.2, residues 1297-1317): DGIIQCRDGS[Asp1307Asn]EDAAFAGCSQ

ClinVar aggregate classification (germline): Uncertain significance. Review status: criteria provided, multiple submitters, no conflicts (2 of 4 stars). 2 submissions from 2 submitters: Uncertain significance (2). Last evaluated 2023-06-22.

gnomAD v4.1: 1 of 1,613,640 alleles (0.000062%); highest among the groups gnomAD compares: Non-Finnish European, 0.000085%; no homozygotes.

Submissions (2):

Labcorp Genetics (formerly Invitae), Labcorp
Classification: Uncertain significance. Last evaluated: 2023-06-22. Review status: criteria provided, single submitter. Criteria: Invitae Variant Classification Sherloc (09022015). Collection method: clinical testing. Allele origin: germline.
Comment: This sequence change replaces aspartic acid, which is acidic and polar, with asparagine, which is neutral and polar, at codon 1307 of the SORL1 protein (p.Asp1307Asn). In summary, the available evidence is currently insufficient to determine the role of this variant in disease. Therefore, it has been classified as a Variant of Uncertain Significance. An algorithm developed to predict the effect of missense changes on protein structure and function (PolyPhen-2) suggests that this variant is likely to be disruptive. ClinVar contains an entry for this variant (Variation ID: 1317133). This variant has not been reported in the literature in individuals affected with SORL1-related conditions. This variant is not present in population databases (gnomAD no frequency).

GeneDx
Classification: Uncertain significance. Last evaluated: 2019-03-21. Review status: criteria provided, single submitter. Criteria: GeneDx Variant Classification Process June 2021. Collection method: clinical testing. Allele origin: germline. Affected: yes.
Comment: Not observed in large population cohorts (Lek et al., 2016); In silico analysis, which includes protein predictors and evolutionary conservation, supports a deleterious effect; Has not been previously published as pathogenic or benign to our knowledge